The following is an entry in ClinVar:

ClinVar aggregate classification (germline): Uncertain significance. Review status: criteria provided, multiple submitters, no conflicts (2 of 4 stars). 2 submissions from 2 submitters: Uncertain significance (2). Last evaluated 2022-05-12.

Conditions:
Inborn genetic diseases. Identifiers: MedGen C0950123, MeSH D030342.

gnomAD v4.1: 43 of 1,614,156 alleles (0.0027%); highest among the groups gnomAD compares: Middle Eastern, 0.049%; no homozygotes.

Submissions (2):

Labcorp Genetics (formerly Invitae), Labcorp
Classification: Uncertain significance. Last evaluated: 2022-05-12. Review status: criteria provided, single submitter. Criteria: Invitae Variant Classification Sherloc (09022015). Collection method: clinical testing. Allele origin: germline.
Comment: This variant is not present in population databases (gnomAD no frequency). This sequence change replaces asparagine, which is neutral and polar, with serine, which is neutral and polar, at codon 2135 of the VPS13C protein (p.Asn2135Ser). Algorithms developed to predict the effect of missense changes on protein structure and function output the following: SIFT: "Tolerated"; PolyPhen-2: "Benign"; Align-GVGD: "Class C0". The serine amino acid residue is found in multiple mammalian species, which suggests that this missense change does not adversely affect protein function. In summary, the available evidence is currently insufficient to determine the role of this variant in disease. Therefore, it has been classified as a Variant of Uncertain Significance. This variant has not been reported in the literature in individuals affected with VPS13C-related conditions.

Ambry Genetics
Classification: Uncertain significance for Inborn genetic diseases. Last evaluated: 2021-06-11. Review status: criteria provided, single submitter. Criteria: Ambry Variant Classification Scheme 2023. Collection method: clinical testing. Allele origin: germline.

NM_020821.3(VPS13C):c.6404A>G (p.Asn2135Ser)

Gene: VPS13C (vacuolar protein sorting 13 homolog C; minus strand). Cytogenetic location: 15q22.2.
Variant type: single nucleotide variant.
Coding change: c.6404A>G on transcript NM_020821.3 (MANE Select); coding-DNA position 6404, A replaced by G.
Protein change: p.Asn2135Ser; replaces asparagine 2135 with serine.
Molecular consequence: missense variant.
Genome position (GRCh38, 1-based): chr15:61,927,203, T>C on the plus strand (A>G on the coding strand, the complement: VPS13C is on the minus strand). VCF-style: chr15-61927203-T-C. GRCh37 (hg19) VCF-style: chr15-62219402-T-C.
Other names: c.6404A>G, p.Asn2135Ser (NM_001018088.3); c.6275A>G, p.Asn2092Ser (NM_017684.5, NM_018080.4); short protein forms N2092S, N2135S.
Identifiers: ClinVar variation 1957827 (VCV001957827.6), dbSNP rs200965872, ClinGen allele CA271898587.